The following is an entry in ClinVar:

NM_002317.7(LOX):c.728A>G (p.Asn243Ser)

Genes: LOX (lysyl oxidase; minus strand), SRFBP1 (serum response factor binding protein 1; plus strand). Cytogenetic location: 5q23.1.
Variant type: single nucleotide variant.
Coding change: c.728A>G on transcript NM_002317.7 (MANE Select); coding-DNA position 728, A replaced by G.
Protein change: p.Asn243Ser; replaces asparagine 243 with serine.
Molecular consequence: missense variant. On other transcripts: intron variant (1).
Genome position (GRCh38, 1-based): chr5:122,076,905, T>C on the plus strand (A>G on the coding strand, the complement: LOX is on the minus strand). VCF-style: chr5-122076905-T-C. GRCh37 (hg19) VCF-style: chr5-121412600-T-C.
Other names: c.728A>G (NM_002317.5); c.-152+187A>G (NM_001317073.1); c.38A>G, p.Asn13Ser (NM_001178102.2); short protein forms N13S, N243S.
Identifiers: ClinVar variation 3359398 (VCV003359398.4).
Genomic context (GRCh38, chr5:122,076,905, plus strand): 5'-CCCTGAAGGTAGACCGGGGAGCGGGGCCTCAGACATATCAGCCCGTACCTGGCCAGACAG[T>C]TTTCCTCCGCCGCGCATCTCAGGTTGTACATGGACATCTTCTGCACGTACGTGGACGCCT-3'
Protein context (NP_002308.2, residues 233-253): MYNLRCAAEE[Asn243Ser]CLASTAYRAD

ClinVar aggregate classification (germline): Uncertain significance. Review status: criteria provided, multiple submitters, no conflicts (2 of 4 stars). 3 submissions from 3 submitters: Uncertain significance (3). Last evaluated 2026-04-14.

Conditions:
Cardiovascular phenotype. Identifiers: MedGen CN230736.

gnomAD v4.1: 6 of 1,613,812 alleles (0.00037%); highest among the groups gnomAD compares: Non-Finnish European, 0.00051%; no homozygotes.

Submissions (3):

Ambry Genetics
Classification: Uncertain significance for Cardiovascular phenotype. Last evaluated: 2026-04-14. Review status: criteria provided, single submitter. Criteria: Ambry Variant Classification Scheme 2023. Collection method: clinical testing. Allele origin: germline.
Comment: The p.N243S variant (also known as c.728A>G), located in coding exon 2 of the LOX gene, results from an A to G substitution at nucleotide position 728. The asparagine at codon 243 is replaced by serine, an amino acid with highly similar properties. This amino acid position is conserved. In addition, this alteration is predicted to be tolerated by in silico analysis. Based on the available evidence, the clinical significance of this variant remains unclear.

Labcorp Genetics (formerly Invitae), Labcorp
Classification: Uncertain significance. Last evaluated: 2025-04-17. Review status: criteria provided, single submitter. Criteria: Invitae Variant Classification Sherloc (09022015). Collection method: clinical testing. Allele origin: germline.
Comment: This sequence change replaces asparagine, which is neutral and polar, with serine, which is neutral and polar, at codon 243 of the LOX protein (p.Asn243Ser). This variant is not present in population databases (gnomAD no frequency). This variant has not been reported in the literature in individuals affected with LOX-related conditions. ClinVar contains an entry for this variant (Variation ID: 3359398). Invitae Evidence Modeling of protein sequence and biophysical properties (such as structural, functional, and spatial information, amino acid conservation, physicochemical variation, residue mobility, and thermodynamic stability) has been performed for this missense variant. However, the output from this modeling did not meet the statistical confidence thresholds required to predict the impact of this variant on LOX protein function. In summary, the available evidence is currently insufficient to determine the role of this variant in disease. Therefore, it has been classified as a Variant of Uncertain Significance.

GeneDx
Classification: Uncertain significance. Last evaluated: 2023-06-01. Review status: criteria provided, single submitter. Criteria: GeneDx Variant Classification Process June 2021. Collection method: clinical testing. Allele origin: germline. Affected: yes.
Comment: Not observed at significant frequency in large population cohorts (gnomAD); In silico analysis supports that this missense variant has a deleterious effect on protein structure/function; Has not been previously published as pathogenic or benign to our knowledge